The following is an entry in ClinVar:

NM_201384.3(PLEC):c.1787G>A (p.Arg596Gln)

Gene: PLEC (plectin; minus strand). Cytogenetic location: 8q24.3.
Variant type: single nucleotide variant.
Coding change: c.1787G>A on transcript NM_201384.3 (MANE Select); coding-DNA position 1787, G replaced by A.
Protein change: p.Arg596Gln; replaces arginine 596 with glutamine.
Molecular consequence: missense variant.
Genome position (GRCh38, 1-based): chr8:143,932,663, C>T on the plus strand (G>A on the coding strand, the complement: PLEC is on the minus strand). VCF-style: chr8-143932663-C-T. GRCh37 (hg19) VCF-style: chr8-145006831-C-T.
Other names: c.1868G>A, p.Arg623Gln (NM_000445.5); c.1745G>A, p.Arg582Gln (NM_201378.4); c.1721G>A, p.Arg574Gln (NM_201379.3); c.2198G>A, p.Arg733Gln (NM_201380.4); c.1691G>A, p.Arg564Gln (NM_201381.3); c.1787G>A, p.Arg596Gln (NM_201382.4); c.1799G>A, p.Arg600Gln (NM_201383.3); short protein forms R574Q, R582Q, R596Q, R623Q, R600Q, R733Q, R564Q.
Identifiers: ClinVar variation 478792 (VCV000478792.6), dbSNP rs1346840219, ClinGen allele CA372578893.

ClinVar aggregate classification (germline): Uncertain significance. Review status: criteria provided, multiple submitters, no conflicts (2 of 4 stars). 2 submissions from 2 submitters: Uncertain significance (2). Last evaluated 2026-05-12.

Conditions:
Autosomal recessive limb-girdle muscular dystrophy type 2Q (LGMDR17). Also called: MUSCULAR DYSTROPHY, LIMB-GIRDLE, AUTOSOMAL RECESSIVE 17. Identifiers: Orphanet 254361, MedGen C3150989, MONDO:0013390, OMIM 613723.
Epidermolysis bullosa simplex 5B, with muscular dystrophy (EBS5B). Also called: EPIDERMOLYSIS BULLOSA SIMPLEX AND LIMB-GIRDLE MUSCULAR DYSTROPHY; Epidermolysis bullosa simplex with muscular dystrophy. Identifiers: Orphanet 257, MedGen C2931072, MONDO:0009181, OMIM 226670.
Epidermolysis bullosa simplex, Ogna type (EBS5A). Also called: Pidermolysis bullosa simplex 5A, Ogna type; EPIDERMOLYSIS BULLOSA SIMPLEX 5A, OGNA TYPE. Identifiers: Orphanet 79401, MedGen C0432317, MONDO:0007555, OMIM 131950.
Epidermolysis bullosa simplex with nail dystrophy (EBS5D). Identifiers: MedGen C4225309, MONDO:0014661, OMIM 616487.
Epidermolysis bullosa simplex 5C, with pyloric atresia (EBS5C). Also called: PLEC-Related Epidermolysis Bullosa with Pyloric Atresia; Epidermolysis bullosa simplex with pyloric atresia; PLEC1-Related Epidermolysis Bullosa with Pyloric Atresia. Identifiers: Orphanet 158684, MedGen C2677349, MONDO:0012807, OMIM 612138.
PLEC-related disorder. Also called: PLEC-related disorders; PLEC-related condition.

Allele frequency attached by ClinVar (database versions not stated): gnomAD 0.00001; gnomAD exomes 0.00002; TOPMed 0.00003.

Submissions (2):

PreventionGenetics, part of Exact Sciences
Classification: Uncertain significance for PLEC-related condition. Last evaluated: 2026-05-12. Review status: criteria provided, single submitter. Criteria: ACMG Guidelines, 2015. Collection method: clinical testing. Allele origin: germline.
Comment: The PLEC c.1868G>A variant is predicted to result in the amino acid substitution p.Arg623Gln. To our knowledge, this variant has not been reported in the literature. This variant is reported in 0.0066% of alleles in individuals of South Asian descent in gnomAD. At this time, the clinical significance of this variant is uncertain due to the absence of conclusive functional and genetic evidence.

Labcorp Genetics (formerly Invitae), Labcorp
Classification: Uncertain significance for Autosomal recessive limb-girdle muscular dystrophy type 2Q; Epidermolysis bullosa simplex, Ogna type; Epidermolysis bullosa simplex with nail dystrophy; Epidermolysis bullosa simplex 5C, with pyloric atresia; Epidermolysis bullosa simplex 5B, with muscular dystrophy. Last evaluated: 2022-07-19. Review status: criteria provided, single submitter. Criteria: Invitae Variant Classification Sherloc (09022015). Collection method: clinical testing. Allele origin: germline.
Comment: This sequence change replaces arginine, which is basic and polar, with glutamine, which is neutral and polar, at codon 623 of the PLEC protein (p.Arg623Gln). In summary, the available evidence is currently insufficient to determine the role of this variant in disease. Therefore, it has been classified as a Variant of Uncertain Significance. Algorithms developed to predict the effect of sequence changes on RNA splicing suggest that this variant may create or strengthen a splice site. Algorithms developed to predict the effect of missense changes on protein structure and function are either unavailable or do not agree on the potential impact of this missense change (SIFT: "Deleterious"; PolyPhen-2: "Not Available"; Align-GVGD: "Class C0"). ClinVar contains an entry for this variant (Variation ID: 478792). This variant has not been reported in the literature in individuals affected with PLEC-related conditions. This variant is present in population databases (no rsID available, gnomAD 0.007%).